The following is an entry in ClinVar:

ClinVar aggregate classification (germline): Pathogenic (1 of 4 stars; one submission).

Conditions:
Cohen syndrome (COH1). Also called: Cutis verticis gyrata, retinitis pigmentosa, and sensorineural deafness; PEPPER SYNDROME. Identifiers: Orphanet 193, MedGen C0265223, MONDO:0008999, OMIM 216550.

Submission:

Labcorp Genetics (formerly Invitae), Labcorp
Classification: Pathogenic for Cohen syndrome. Last evaluated: 2022-11-20. Review status: criteria provided, single submitter. Criteria: Invitae Variant Classification Sherloc (09022015). Collection method: clinical testing. Allele origin: unknown.
Comment: For these reasons, this variant has been classified as Pathogenic. This variant has not been reported in the literature in individuals affected with VPS13B-related conditions. This variant is a gross deletion of the genomic region encompassing exon(s) 20-27 of the VPS13B gene. This deletion is out-of-frame, and is expected to create a premature termination codon and result in an absent or disrupted protein product. Loss-of-function variants in VPS13B are known to be pathogenic (PMID: 15141358, 16648375, 20461111).

Literature cited by the submitters: PubMed 15141358; PubMed 16648375; PubMed 20461111.

NC_000008.10:g.(?_100396416)_(100515198_?)del

Gene: VPS13B (vacuolar protein sorting 13 homolog B; plus strand). Cytogenetic location: 8q22.2.
Variant type: Deletion.
Identifiers: ClinVar variation 3245443 (VCV003245443.1).